The following is an entry in ClinVar:

NM_005157.6(ABL1):c.2105A>T (p.Glu702Val)

Gene: ABL1 (ABL proto-oncogene 1, non-receptor tyrosine kinase; plus strand). Cytogenetic location: 9q34.12.
Variant type: single nucleotide variant.
Coding change: c.2105A>T on transcript NM_005157.6 (MANE Select); coding-DNA position 2105, A replaced by T.
Protein change: p.Glu702Val; replaces glutamic acid 702 with valine.
Molecular consequence: missense variant.
Genome position (GRCh38, 1-based): chr9:130,884,395, A>T. VCF-style: chr9-130884395-A-T. GRCh37 (hg19) VCF-style: chr9-133759782-A-T.
Other names: c.2162A>T, p.Glu721Val (NM_007313.3); short protein forms E702V, E721V.
Identifiers: ClinVar variation 4774691 (VCV004774691.1).
Genomic context (GRCh38, chr9:130,884,395, plus strand): 5'-GGTCTCCCCACCTGTGGAAGAAGTCCAGCACGCTGACCAGCAGCCGCCTAGCCACCGGCG[A>T]GGAGGAGGGCGGTGGCAGCTCCAGCAAGCGCTTCCTGCGCTCTTGCTCCGCCTCCTGCGT-3'
Protein context (NP_005148.2, residues 692-712): TLTSSRLATG[Glu702Val]EEGGGSSSKR

ClinVar aggregate classification (germline): Uncertain significance (1 of 4 stars; one submission).

Submission:

Labcorp Genetics (formerly Invitae), Labcorp
Classification: Uncertain significance. Last evaluated: 2025-10-05. Review status: criteria provided, single submitter. Criteria: Invitae Variant Classification Sherloc (09022015). Collection method: clinical testing. Allele origin: germline.
Comment: This sequence change replaces glutamic acid, which is acidic and polar, with valine, which is neutral and non-polar, at codon 721 of the ABL1 protein (p.Glu721Val). This variant is not present in population databases (gnomAD no frequency). This variant has not been reported in the literature in individuals affected with ABL1-related conditions. Invitae Evidence Modeling of protein sequence and biophysical properties (such as structural, functional, and spatial information, amino acid conservation, physicochemical variation, residue mobility, and thermodynamic stability) indicates that this missense variant is not expected to disrupt ABL1 protein function with a negative predictive value of 95%. In summary, the available evidence is currently insufficient to determine the role of this variant in disease. Therefore, it has been classified as a Variant of Uncertain Significance.